The following is an entry in ClinVar:

ClinVar aggregate classification (germline): Uncertain significance (1 of 4 stars; one submission).

Submission:

Labcorp Genetics (formerly Invitae), Labcorp
Classification: Uncertain significance. Last evaluated: 2022-11-28. Review status: criteria provided, single submitter. Criteria: Invitae Variant Classification Sherloc (09022015). Collection method: clinical testing. Allele origin: germline.
Comment: This variant is not present in population databases (gnomAD no frequency). This variant has not been reported in the literature in individuals affected with FLAD1-related conditions. Algorithms developed to predict the effect of missense changes on protein structure and function (SIFT, PolyPhen-2, Align-GVGD) all suggest that this variant is likely to be tolerated. In summary, the available evidence is currently insufficient to determine the role of this variant in disease. Therefore, it has been classified as a Variant of Uncertain Significance. This sequence change replaces glutamine, which is neutral and polar, with arginine, which is basic and polar, at codon 450 of the FLAD1 protein (p.Gln450Arg).

NM_025207.5(FLAD1):c.1349A>G (p.Gln450Arg)

Gene: FLAD1 (flavin adenine dinucleotide synthetase 1; plus strand). Cytogenetic location: 1q21.3.
Variant type: single nucleotide variant.
Coding change: c.1349A>G on transcript NM_025207.5 (MANE Select); coding-DNA position 1349, A replaced by G.
Protein change: p.Gln450Arg; replaces glutamine 450 with arginine.
Molecular consequence: missense variant.
Genome position (GRCh38, 1-based): chr1:154,990,242, A>G. VCF-style: chr1-154990242-A-G. GRCh37 (hg19) VCF-style: chr1-154962718-A-G.
Other names: c.1058A>G, p.Gln353Arg (NM_001184891.2, NM_201398.3); short protein forms Q353R, Q450R.
Identifiers: ClinVar variation 2095330 (VCV002095330.4), dbSNP rs2525792117, ClinGen allele CA342751825.